The following is an entry in ClinVar:

NM_001148.6(ANK2):c.3361C>T (p.Leu1121Phe)

Gene: ANK2 (ankyrin 2; plus strand). Cytogenetic location: 4q26.
Variant type: single nucleotide variant.
Coding change: c.3361C>T on transcript NM_001148.6 (MANE Select); coding-DNA position 3361, C replaced by T.
Protein change: p.Leu1121Phe; replaces leucine 1121 with phenylalanine.
Molecular consequence: missense variant.
Genome position (GRCh38, 1-based): chr4:113,333,190, C>T. VCF-style: chr4-113333190-C-T. GRCh37 (hg19) VCF-style: chr4-114254346-C-T.
Other names: c.3334C>T, p.Leu1112Phe (NM_001127493.3); c.3373C>T, p.Leu1125Phe (NM_001354225.2); c.3262C>T, p.Leu1088Phe (NM_001354228.2, NM_001354258.2); c.3340C>T, p.Leu1114Phe (NM_001354230.2); c.3403C>T, p.Leu1135Phe (NM_001354231.2, NM_001354242.2); c.3397C>T, p.Leu1133Phe (NM_001354232.2); c.3358C>T, p.Leu1120Phe (NM_001354235.2, NM_001354246.2, NM_001354265.2); c.3259C>T, p.Leu1087Phe (NM_001354236.2); and 28 more; short protein forms L1112F, L1114F, L1116F, L1120F, L1121F, L1125F, L1133F, L1135F.
Identifiers: ClinVar variation 5018834 (VCV005018834.2).

ClinVar aggregate classification (germline): Uncertain significance (1 of 4 stars; one submission).

Conditions:
Cardiac arrhythmia, ankyrin-B-related. Also called: ANKYRIN-B SYNDROME. Identifiers: Orphanet 101016, Orphanet 768, MedGen C1970119, MONDO:0010958, OMIM 600919.

Submission:

Juno Genomics, Hangzhou Juno Genomics, Inc
Classification: Uncertain significance for Cardiac arrhythmia, ankyrin-B-related. Review status: criteria provided, single submitter. Criteria: ACMG Guidelines, 2015. Collection method: clinical testing. Allele origin: germline.
Comment: Absent from controls (or at extremely low frequency if recessive) in Genome Aggregation Database.;Missense variant in a gene that has a low rate of benign missense variation.;Multiple lines of computational evidence support a deleterious effect on the gene or gene product.